The following is an entry in ClinVar:

NM_001903.5(CTNNA1):c.1712A>G (p.Lys571Arg)

Gene: CTNNA1 (catenin alpha 1; plus strand). Cytogenetic location: 5q31.2.
Variant type: single nucleotide variant.
Coding change: c.1712A>G on transcript NM_001903.5 (MANE Select); coding-DNA position 1712, A replaced by G.
Protein change: p.Lys571Arg; replaces lysine 571 with arginine.
Molecular consequence: missense variant.
Genome position (GRCh38, 1-based): chr5:138,924,675, A>G. VCF-style: chr5-138924675-A-G. GRCh37 (hg19) VCF-style: chr5-138260364-A-G.
Other names: c.1712A>G, p.Lys571Arg (NM_001290307.3, NM_001323982.2, NM_001323983.1 and 2 more transcripts); c.1403A>G, p.Lys468Arg (NM_001290309.3); c.1343A>G, p.Lys448Arg (NM_001290310.3); c.602A>G, p.Lys201Arg (NM_001290312.1, NM_001323987.1, NM_001323988.1 and 17 more transcripts); c.1619A>G, p.Lys540Arg (NM_001323986.2); c.263A>G, p.Lys88Arg (NM_001324006.1, NM_001324007.1, NM_001324008.1 and 2 more transcripts); c.509A>G, p.Lys170Arg (NM_001324011.1); c.359A>G, p.Lys120Arg (NM_001324012.1, NM_001324013.1); short protein forms K120R, K170R, K201R, K448R, K468R, K540R, K571R, K88R.
Identifiers: ClinVar variation 1016813 (VCV001016813.9), dbSNP rs747249507, ClinGen allele CA3432010.

ClinVar aggregate classification (germline): Uncertain significance. Review status: criteria provided, multiple submitters, no conflicts (2 of 4 stars). 2 submissions from 2 submitters: Uncertain significance (2). Last evaluated 2022-06-03.

Conditions:
Hereditary cancer-predisposing syndrome. Also called: Tumor predisposition; Neoplastic Syndromes, Hereditary; Hereditary neoplastic syndrome; Hereditary Cancer Syndrome. Identifiers: Orphanet 140162, MedGen C0027672, MeSH D009386, MONDO:0015356.

Allele frequency attached by ClinVar (database versions not stated): gnomAD exomes below 0.00001; ExAC 0.00002.
gnomAD v4.1: 3 of 1,595,026 alleles (0.00019%); highest among the groups gnomAD compares: Non-Finnish European, 0.00026%; no homozygotes.

Submissions (2):

Labcorp Genetics (formerly Invitae), Labcorp
Classification: Uncertain significance. Last evaluated: 2022-06-03. Review status: criteria provided, single submitter. Criteria: Invitae Variant Classification Sherloc (09022015). Collection method: clinical testing. Allele origin: germline.
Comment: In summary, the available evidence is currently insufficient to determine the role of this variant in disease. Therefore, it has been classified as a Variant of Uncertain Significance. Algorithms developed to predict the effect of missense changes on protein structure and function are either unavailable or do not agree on the potential impact of this missense change (SIFT: "Deleterious"; PolyPhen-2: "Benign"; Align-GVGD: "Class C0"). ClinVar contains an entry for this variant (Variation ID: 1016813). This variant has not been reported in the literature in individuals affected with CTNNA1-related conditions. This variant is present in population databases (rs747249507, gnomAD 0.001%). This sequence change replaces lysine, which is basic and polar, with arginine, which is basic and polar, at codon 571 of the CTNNA1 protein (p.Lys571Arg).

Ambry Genetics
Classification: Uncertain significance for Hereditary cancer-predisposing syndrome. Last evaluated: 2020-01-24. Review status: criteria provided, single submitter. Criteria: Ambry Variant Classification Scheme 2023. Collection method: clinical testing. Allele origin: germline.
Comment: The p.K571R variant (also known as c.1712A>G), located in coding exon 11 of the CTNNA1 gene, results from an A to G substitution at nucleotide position 1712. The lysine at codon 571 is replaced by arginine, an amino acid with highly similar properties. This amino acid position is highly conserved in available vertebrate species. In addition, this alteration is predicted to be tolerated by in silico analysis. Since supporting evidence is limited at this time, the clinical significance of this alteration remains unclear.